The following is an entry in ClinVar:

ClinVar aggregate classification (germline): Uncertain significance. Review status: criteria provided, multiple submitters, no conflicts (2 of 4 stars). 2 submissions from 2 submitters: Uncertain significance (2). Last evaluated 2025-08-12.

Allele frequency attached by ClinVar (database versions not stated): gnomAD exomes below 0.00001; TOPMed below 0.00001; gnomAD 0.00001.
gnomAD v4.1: 3 of 1,612,400 alleles (0.00019%); highest among the groups gnomAD compares: Non-Finnish European, 0.00025%; no homozygotes.

Submissions (2):

Ambry Genetics
Classification: Uncertain significance. Last evaluated: 2025-08-12. Review status: criteria provided, single submitter. Criteria: Ambry Variant Classification Scheme 2023. Collection method: clinical testing. Allele origin: germline.

Labcorp Genetics (formerly Invitae), Labcorp
Classification: Uncertain significance. Last evaluated: 2023-06-05. Review status: criteria provided, single submitter. Criteria: Invitae Variant Classification Sherloc (09022015). Collection method: clinical testing. Allele origin: germline.
Comment: In summary, the available evidence is currently insufficient to determine the role of this variant in disease. Therefore, it has been classified as a Variant of Uncertain Significance. An algorithm developed to predict the effect of missense changes on protein structure and function (PolyPhen-2) suggests that this variant is likely to be tolerated. This variant has not been reported in the literature in individuals affected with ARIH1-related conditions. This variant is present in population databases (no rsID available, gnomAD 0.007%). This sequence change replaces leucine, which is neutral and non-polar, with valine, which is neutral and non-polar, at codon 154 of the ARIH1 protein (p.Leu154Val).

NM_005744.5(ARIH1):c.460C>G (p.Leu154Val)

Gene: ARIH1 (ariadne RBR E3 ubiquitin protein ligase 1; plus strand). Cytogenetic location: 15q24.1.
Variant type: single nucleotide variant.
Coding change: c.460C>G on transcript NM_005744.5 (MANE Select); coding-DNA position 460, C replaced by G.
Protein change: p.Leu154Val; replaces leucine 154 with valine.
Molecular consequence: missense variant.
Genome position (GRCh38, 1-based): chr15:72,544,836, C>G. VCF-style: chr15-72544836-C-G. GRCh37 (hg19) VCF-style: chr15-72837177-C-G.
Other names: c.460C>G (NM_005744.3); short protein forms L154V.
Identifiers: ClinVar variation 3003092 (VCV003003092.4), dbSNP rs1243956076, ClinGen allele CA393235448.
Genomic context (GRCh38, chr15:72,544,836, plus strand): 5'-GTGCAAGTTGCTGGGCTCTTATCCTTTCTGTTTAAATAATGCAGGTACTTTGATGGAAAC[C>G]TGGAGAAGCTCTTTGCTGAGTGTCATGTAATTAATCCAAGTAAAAAGTCTCGAACACGCC-3'
Protein context (NP_005735.2, residues 144-164): KLMERYFDGN[Leu154Val]EKLFAECHVI